The following is an entry in ClinVar:

ClinVar aggregate classification (germline): Uncertain significance (1 of 4 stars; one submission).

Conditions:
Familial adenomatous polyposis 1 (FAP1). Also called: FAMILIAL ADENOMATOUS POLYPOSIS 1, ATTENUATED; POLYPOSIS, ADENOMATOUS INTESTINAL. Identifiers: MedGen C2713442, MONDO:0021056, OMIM 175100. Disease mechanism: loss of function.

Allele frequency attached by ClinVar (database versions not stated): TOPMed below 0.00001; gnomAD 0.00001.
gnomAD v4.1: 2 of 1,613,972 alleles (0.00012%); highest among the groups gnomAD compares: Non-Finnish European, 0.00017%; no homozygotes.

Submission:

Labcorp Genetics (formerly Invitae), Labcorp
Classification: Uncertain significance for Familial adenomatous polyposis 1. Last evaluated: 2021-12-04. Review status: criteria provided, single submitter. Criteria: Invitae Variant Classification Sherloc (09022015). Collection method: clinical testing. Allele origin: germline.
Comment: This variant is not present in population databases (gnomAD no frequency). This sequence change replaces proline, which is neutral and non-polar, with threonine, which is neutral and polar, at codon 2065 of the APC protein (p.Pro2065Thr). This variant has not been reported in the literature in individuals affected with APC-related conditions. Algorithms developed to predict the effect of missense changes on protein structure and function (SIFT, PolyPhen-2, Align-GVGD) all suggest that this variant is likely to be tolerated. In summary, the available evidence is currently insufficient to determine the role of this variant in disease. Therefore, it has been classified as a Variant of Uncertain Significance.

NM_000038.6(APC):c.6193C>A (p.Pro2065Thr)

Gene: APC (APC regulator of Wnt signaling pathway; plus strand). Cytogenetic location: 5q22.2.
Variant type: single nucleotide variant.
Coding change: c.6193C>A on transcript NM_000038.6 (MANE Select); coding-DNA position 6193, C replaced by A.
Protein change: p.Pro2065Thr; replaces proline 2065 with threonine.
Molecular consequence: missense variant.
Genome position (GRCh38, 1-based): chr5:112,841,787, C>A. VCF-style: chr5-112841787-C-A. GRCh37 (hg19) VCF-style: chr5-112177484-C-A.
Other names: c.6193C>A, p.Pro2065Thr (NM_001127510.3, NM_001354895.2); c.6139C>A, p.Pro2047Thr (NM_001127511.3); c.6247C>A, p.Pro2083Thr (NM_001354896.2); c.6223C>A, p.Pro2075Thr (NM_001354897.2); c.6118C>A, p.Pro2040Thr (NM_001354898.2); c.6109C>A, p.Pro2037Thr (NM_001354899.2); c.6070C>A, p.Pro2024Thr (NM_001354900.2); c.6016C>A, p.Pro2006Thr (NM_001354901.2); and 5 more; short protein forms P1939T, P1964T, P2024T, P2040T, P2083T, P1782T, P1905T, P1974T.
Identifiers: ClinVar variation 1471880 (VCV001471880.6), dbSNP rs1220035685, ClinGen allele CA16034896.
Genomic context (GRCh38, chr5:112,841,787, plus strand): 5'-TCCGCAATGCCAAAAAAGAAAAAGCCTTCAAGACTCAAGGGTGATAATGAAAAACATAGT[C>A]CCAGAAATATGGGTGGCATATTAGGTGAAGATCTGACACTTGATTTGAAAGATATACAGA-3'
Protein context (NP_000029.2, residues 2055-2075): RLKGDNEKHS[Pro2065Thr]RNMGGILGED